The following is an entry in ClinVar:

NM_152296.5(ATP1A3):c.388G>T (p.Val130Leu)

Gene: ATP1A3 (ATPase Na+/K+ transporting subunit alpha 3; minus strand). Cytogenetic location: 19q13.2.
Variant type: single nucleotide variant.
Coding change: c.388G>T on transcript NM_152296.5 (MANE Select); coding-DNA position 388, G replaced by T.
Protein change: p.Val130Leu; replaces valine 130 with leucine.
Molecular consequence: missense variant.
Genome position (GRCh38, 1-based): chr19:41,986,199, C>A on the plus strand (G>T on the coding strand, the complement: ATP1A3 is on the minus strand). VCF-style: chr19-41986199-C-A. GRCh37 (hg19) VCF-style: chr19-42490351-C-A.
Other names: c.421G>T, p.Val141Leu (NM_001256213.2); c.427G>T, p.Val143Leu (NM_001256214.2); short protein forms V141L, V130L, V143L.
Identifiers: ClinVar variation 949084 (VCV000949084.9), dbSNP rs1555865397, ClinGen allele CA406055535.

ClinVar aggregate classification (germline): Uncertain significance (1 of 4 stars; one submission).

Conditions:
Dystonia 12 (DYT12). Also called: DYT-ATP1A3; Rapid-Onset Dystonia-Parkinsonism (RDP). Identifiers: Orphanet 71517, MedGen C1868681, MONDO:0007496, OMIM 128235.

Submission:

Labcorp Genetics (formerly Invitae), Labcorp
Classification: Uncertain significance for Dystonia 12. Last evaluated: 2019-09-19. Review status: criteria provided, single submitter. Criteria: Invitae Variant Classification Sherloc (09022015). Collection method: clinical testing. Allele origin: germline.
Comment: This sequence change replaces valine with leucine at codon 130 of the ATP1A3 protein (p.Val130Leu). The valine residue is highly conserved and there is a small physicochemical difference between valine and leucine. In summary, the available evidence is currently insufficient to determine the role of this variant in disease. Therefore, it has been classified as a Variant of Uncertain Significance. Algorithms developed to predict the effect of missense changes on protein structure and function are either unavailable or do not agree on the potential impact of this missense change (SIFT: "Deleterious"; PolyPhen-2: "Possibly Damaging"; Align-GVGD: "Class C0"). This variant has not been reported in the literature in individuals with ATP1A3-related conditions. This variant is not present in population databases (ExAC no frequency).